The following is an entry in ClinVar:

ClinVar aggregate classification (germline): Uncertain significance (1 of 4 stars; one submission).

Allele frequency attached by ClinVar (database versions not stated): gnomAD exomes below 0.00001.
gnomAD v4.1: 1 of 1,614,152 alleles (0.000062%); highest among the groups gnomAD compares: South Asian, 0.0011%; no homozygotes.

Submission:

Labcorp Genetics (formerly Invitae), Labcorp
Classification: Uncertain significance. Last evaluated: 2022-10-24. Review status: criteria provided, single submitter. Criteria: Invitae Variant Classification Sherloc (09022015). Collection method: clinical testing. Allele origin: germline.
Comment: This sequence change replaces proline, which is neutral and non-polar, with leucine, which is neutral and non-polar, at codon 434 of the TPP1 protein (p.Pro434Leu). This variant is present in population databases (no rsID available, gnomAD 0.003%). This variant has not been reported in the literature in individuals affected with TPP1-related conditions. ClinVar contains an entry for this variant (Variation ID: 1469971). Advanced modeling of protein sequence and biophysical properties (such as structural, functional, and spatial information, amino acid conservation, physicochemical variation, residue mobility, and thermodynamic stability) performed at Invitae indicates that this missense variant is not expected to disrupt TPP1 protein function. In summary, the available evidence is currently insufficient to determine the role of this variant in disease. Therefore, it has been classified as a Variant of Uncertain Significance.

NM_000391.4(TPP1):c.1301C>T (p.Pro434Leu)

Gene: TPP1 (tripeptidyl peptidase 1; minus strand). Cytogenetic location: 11p15.4.
Variant type: single nucleotide variant.
Coding change: c.1301C>T on transcript NM_000391.4 (MANE Select); coding-DNA position 1301, C replaced by T.
Protein change: p.Pro434Leu; replaces proline 434 with leucine.
Molecular consequence: missense variant.
Genome position (GRCh38, 1-based): chr11:6,615,295, G>A on the plus strand (C>T on the coding strand, the complement: TPP1 is on the minus strand). VCF-style: chr11-6615295-G-A. GRCh37 (hg19) VCF-style: chr11-6636526-G-A.
Other names: short protein forms P434L.
Identifiers: ClinVar variation 1469971 (VCV001469971.5), dbSNP rs1251029614, ClinGen allele CA379472765.
Genomic context (GRCh38, chr11:6,615,295, plus strand): 5'-GCAGCCACATCTGGGTAGGCACGGCCACTGGCATTGAAGTAACTGGATGGTGGCAGGTGG[G>A]GGCTAGAGCTCAGGAACTTCGTTACAGCTTCCTCCTGAAAGGCATTTTTGAGTGAGTATT-3'
Protein context (NP_000382.3, residues 424-444): EAVTKFLSSS[Pro434Leu]HLPPSSYFNA